The following is an entry in ClinVar:

GRCh37/hg19 20p13(chr20:61568-1700861)x1

Genes: PSMF1 (proteasome inhibitor subunit 1; plus strand), SCRT2 (scratch family transcriptional repressor 2; minus strand), RBCK1 (RANBP2-type and C3HC4-type zinc finger containing 1; plus strand), RSPO4 (R-spondin 4; minus strand), SDCBP2 (syndecan binding protein 2; minus strand) and 28 more. Cytogenetic location: 20p13.
Variant type: copy number loss.
Change: copy number 1 (one copy instead of two) of chr20:61,568-1,700,861 (1.64 Mb, GRCh37 coordinates, 1-based), cytogenetic band 20p13.
Identifiers: ClinVar variation 4820252 (VCV004820252.1).

ClinVar aggregate classification (germline): Pathogenic (1 of 4 stars; one submission).

Conditions:
Disease. Also called: Disease or disorder. Identifiers: Orphanet 377788, MedGen C0012634, MeSH D004194, MONDO:0000001.

Submission:

Keimyung University Dongsan Hospital, Keimyung University School of Medicine
Classification: Pathogenic for Disease. Last evaluated: 2026-03-28. Review status: criteria provided, single submitter. Criteria: ACMG/ClinGen CNV Guidelines, 2019. Collection method: clinical testing. Allele origin: germline. Inheritance: Autosomal dominant inheritance. Affected: yes. Observed: 1 variant allele, 1 heterozygote.
Comment: This copy number loss involves a ~1.6 Mb deletion at 20p13. Deletions in this region have been associated with developmental delay, hearing impairment, and neurological features. Based on its size, gene content, and established clinical associations, this variant is classified as pathogenic.

Literature cited by the submitters: DOI 10.26815/acn.2025.01200.